The following is an entry in ClinVar:

NM_001042492.3(NF1):c.3516T>A (p.Asp1172Glu)

Gene: NF1 (neurofibromin 1; plus strand). Cytogenetic location: 17q11.2.
Variant type: single nucleotide variant.
Coding change: c.3516T>A on transcript NM_001042492.3 (MANE Select); coding-DNA position 3516, T replaced by A.
Protein change: p.Asp1172Glu; replaces aspartic acid 1172 with glutamic acid.
Molecular consequence: missense variant.
Genome position (GRCh38, 1-based): chr17:31,233,021, T>A. VCF-style: chr17-31233021-T-A. GRCh37 (hg19) VCF-style: chr17-29560039-T-A.
Other names: c.3516T>A, p.Asp1172Glu (NM_000267.4); short protein forms D1172E.
Identifiers: ClinVar variation 939137 (VCV000939137.6), dbSNP rs2067141430, ClinGen allele CA398989732.

ClinVar aggregate classification (germline): Uncertain significance (1 of 4 stars; one submission).

Conditions:
Neurofibromatosis, type 1 (NF1). Also called: Peripheral type neurofibromatosis; VON RECKLINGHAUSEN DISEASE; Neurofibromatosis, type I; NEUROFIBROMATOSIS, TYPE I, SOMATIC. Identifiers: Orphanet 636, MedGen C0027831, MONDO:0018975, OMIM 162200. Disease mechanism: loss of function.

Submission:

Labcorp Genetics (formerly Invitae), Labcorp
Classification: Uncertain significance for Neurofibromatosis, type 1. Last evaluated: 2019-10-15. Review status: criteria provided, single submitter. Criteria: Invitae Variant Classification Sherloc (09022015). Collection method: clinical testing. Allele origin: germline.
Comment: In summary, the available evidence is currently insufficient to determine the role of this variant in disease. Therefore, it has been classified as a Variant of Uncertain Significance. Algorithms developed to predict the effect of missense changes on protein structure and function are either unavailable or do not agree on the potential impact of this missense change (SIFT: "Tolerated"; PolyPhen-2: "Probably Damaging"; Align-GVGD: "Class C0"). This variant has not been reported in the literature in individuals with NF1-related conditions. This variant is not present in population databases (ExAC no frequency). This sequence change replaces aspartic acid with glutamic acid at codon 1172 of the NF1 protein (p.Asp1172Glu). The aspartic acid residue is moderately conserved and there is a small physicochemical difference between aspartic acid and glutamic acid.